The following is an entry in ClinVar:

NM_015272.5(RPGRIP1L):c.1629T>C (p.Asp543=)

Gene: RPGRIP1L (RPGRIP1 like; minus strand). Cytogenetic location: 16q12.2.
Variant type: single nucleotide variant.
Coding change: c.1629T>C on transcript NM_015272.5 (MANE Select); coding-DNA position 1629, T replaced by C.
Protein change: p.Asp543=; no amino-acid change (aspartic acid 543 retained).
Molecular consequence: synonymous variant.
Genome position (GRCh38, 1-based): chr16:53,656,542, A>G on the plus strand (T>C on the coding strand, the complement: RPGRIP1L is on the minus strand). VCF-style: chr16-53656542-A-G. GRCh37 (hg19) VCF-style: chr16-53690454-A-G.
Other names: c.1629T>C, p.Asp543= (NM_001127897.4, NM_001308334.3, NM_001330538.2).
Identifiers: ClinVar variation 3356654 (VCV003356654.1).
Genomic context (GRCh38, chr16:53,656,542, plus strand): 5'-ATGGATACGTGCAGCCCTGATATCAAGAAGATGAACATACTGTTCCACTTTGAGTTCATA[A>G]TCTTGCTGCAAATTTTCCATCTTACGGGTCACTGCCTCAACCTCCATCTACAAAATAAGG-3'
Protein context (NP_056087.2, residues 533-553): VTRKMENLQQ[Asp543=]YELKVEQYVH

ClinVar aggregate classification (germline): Likely benign (0 of 4 stars; one submission).

Conditions:
RPGRIP1L-related disorder. Also called: RPGRIP1L-related condition; RPGRIP1L-related disorders. Identifiers: MedGen CN239416.

Submission:

PreventionGenetics, part of Exact Sciences
Classification: Likely benign for RPGRIP1L-related condition. Last evaluated: 2023-02-17. Review status: no assertion criteria provided. Collection method: clinical testing. Allele origin: germline.
Comment: This variant is classified as likely benign based on ACMG/AMP sequence variant interpretation guidelines (Richards et al. 2015 PMID: 25741868, with internal and published modifications).